The following is an entry in ClinVar:

ClinVar aggregate classification (germline): Pathogenic. Review status: criteria provided, multiple submitters, no conflicts (2 of 4 stars). 2 submissions from 2 submitters: Pathogenic (2). Last evaluated 2025-08-09.

Conditions:
Neurofibromatosis, type 1 (NF1). Also called: VON RECKLINGHAUSEN DISEASE; NEUROFIBROMATOSIS, TYPE I, SOMATIC; Peripheral type neurofibromatosis; Neurofibromatosis, type I. Identifiers: Orphanet 636, MedGen C0027831, MONDO:0018975, OMIM 162200. Disease mechanism: loss of function.

Submissions (2):

Labcorp Genetics (formerly Invitae), Labcorp
Classification: Pathogenic for Neurofibromatosis, type 1. Last evaluated: 2025-08-09. Review status: criteria provided, single submitter. Criteria: Invitae Variant Classification Sherloc (09022015). Collection method: clinical testing. Allele origin: germline.
Comment: This sequence change creates a premature translational stop signal (p.Leu1838*) in the NF1 gene. It is expected to result in an absent or disrupted protein product. Loss-of-function variants in NF1 are known to be pathogenic (PMID: 10712197, 23913538). This variant is not present in population databases (gnomAD no frequency). This variant has not been reported in the literature in individuals affected with NF1-related conditions. ClinVar contains an entry for this variant (Variation ID: 1697347). For these reasons, this variant has been classified as Pathogenic.

Pars Genome Lab
Classification: Pathogenic for Neurofibromatosis, type 1. Review status: criteria provided, single submitter. Criteria: ACMG Guidelines, 2015. Collection method: clinical testing. Allele origin: de novo. Inheritance: Autosomal dominant inheritance. Affected: yes.

Literature cited by the submitters: PubMed 10712197 (cited by Labcorp Genetics (formerly Invitae), Labcorp); PubMed 23913538 (cited by Labcorp Genetics (formerly Invitae), Labcorp).

NM_001042492.3(NF1):c.5576T>G (p.Leu1859Ter)

Gene: NF1 (neurofibromin 1; plus strand). Cytogenetic location: 17q11.2.
Variant type: single nucleotide variant.
Coding change: c.5576T>G on transcript NM_001042492.3 (MANE Select); coding-DNA position 5576, T replaced by G.
Protein change: p.Leu1859Ter; replaces leucine 1859 with a stop codon.
Molecular consequence: nonsense.
Genome position (GRCh38, 1-based): chr17:31,327,806, T>G. VCF-style: chr17-31327806-T-G. GRCh37 (hg19) VCF-style: chr17-29654824-T-G.
Other names: c.5513T>G, p.Leu1838Ter (NM_000267.4); short protein forms L1838*, L1859*.
Identifiers: ClinVar variation 1697347 (VCV001697347.2), dbSNP rs2151541835, ClinGen allele CA399009999.
Genomic context (GRCh38, chr17:31,327,806, plus strand): 5'-TCCCCCAACACACCAAGATTCGGCCAAAAGATGTCCCTGGGACACTGCTCAATATCGCAT[T>G]ACTTAATTTAGGCAGTTCTGACCCGAGTTTACGGTAGGTTTTTTAAAATTCTCTTCAGTT-3'